The following is an entry in ClinVar:

ClinVar aggregate classification (germline): Uncertain significance (1 of 4 stars; one submission).

gnomAD v4.1: 2 of 1,613,230 alleles (0.00012%); highest among the groups gnomAD compares: Non-Finnish European, 0.00017%; no homozygotes.

Submission:

GeneDx
Classification: Uncertain significance. Last evaluated: 2026-01-22. Review status: criteria provided, single submitter. Criteria: GeneDx Variant Classification Process June 2021. Collection method: clinical testing. Allele origin: germline.
Comment: Not observed at significant frequency in large population cohorts (gnomAD); In silico analysis suggests that this missense variant does not alter protein structure/function; Has not been previously published as pathogenic or benign to our knowledge

NM_133259.4(LRPPRC):c.2346A>C (p.Lys782Asn)

Gene: LRPPRC (leucine rich pentatricopeptide repeat containing; minus strand). Cytogenetic location: 2p21.
Variant type: single nucleotide variant.
Coding change: c.2346A>C on transcript NM_133259.4 (MANE Select); coding-DNA position 2346, A replaced by C.
Protein change: p.Lys782Asn; replaces lysine 782 with asparagine.
Molecular consequence: missense variant.
Genome position (GRCh38, 1-based): chr2:43,943,845, T>G on the plus strand (A>C on the coding strand, the complement: LRPPRC is on the minus strand). VCF-style: chr2-43943845-T-G. GRCh37 (hg19) VCF-style: chr2-44170984-T-G.
Other names: short protein forms K782N.
Identifiers: ClinVar variation 4975230 (VCV004975230.1).